The following is an entry in ClinVar:

ClinVar aggregate classification (germline): Uncertain significance (1 of 4 stars; one submission).

Conditions:
Autosomal recessive limb-girdle muscular dystrophy type 2J (LGMDR10). Also called: Limb-girdle muscular dystrophy, type 2J; MUSCULAR DYSTROPHY, LIMB-GIRDLE, AUTOSOMAL RECESSIVE 10. Identifiers: Orphanet 140922, MedGen C1837342, MONDO:0012127, OMIM 608807.
Dilated cardiomyopathy 1G (CMD1G). Identifiers: Orphanet 154, MedGen C1858763, MONDO:0011400, OMIM 604145.

Allele frequency attached by ClinVar (database versions not stated): gnomAD exomes below 0.00001.
gnomAD v4.1: 2 of 1,613,488 alleles (0.00012%); highest among the groups gnomAD compares: Non-Finnish European, 0.00017%; no homozygotes.

Submission:

Labcorp Genetics (formerly Invitae), Labcorp
Classification: Uncertain significance for Dilated cardiomyopathy 1G; Autosomal recessive limb-girdle muscular dystrophy type 2J. Last evaluated: 2022-04-12. Review status: criteria provided, single submitter. Criteria: Invitae Variant Classification Sherloc (09022015). Collection method: clinical testing. Allele origin: germline.
Comment: This variant is located in the M band of TTN (PMID: 25589632). Variants in this region may be relevant for neuromuscular disorders, but have not been definitively shown to cause cardiomyopathy (PMID: 23975875). In summary, the available evidence is currently insufficient to determine the role of this variant in disease. Therefore, it has been classified as a Variant of Uncertain Significance. Variants that disrupt the consensus splice site are a relatively common cause of aberrant splicing (PMID: 17576681, 9536098). Algorithms developed to predict the effect of sequence changes on RNA splicing suggest that this variant is not likely to affect RNA splicing. This variant has not been reported in the literature in individuals affected with TTN-related conditions. This variant is not present in population databases (gnomAD no frequency). This sequence change falls in intron 361 of the TTN gene. It does not directly change the encoded amino acid sequence of the TTN protein. It affects a nucleotide within the consensus splice site.

Literature cited by the submitters: PubMed 25589632; PubMed 23975875; PubMed 17576681; PubMed 9536098.

NM_001267550.2(TTN):c.107377+3A>G

Genes: TTN-AS1 (TTN antisense RNA 1; plus strand), TTN (titin; minus strand). Cytogenetic location: 2q31.2.
Variant type: single nucleotide variant.
Coding change: c.107377+3A>G on transcript NM_001267550.2 (MANE Select); 3 bases into the intron after coding-DNA position 107377, A replaced by G.
Molecular consequence: intron variant.
Genome position (GRCh38, 1-based): chr2:178,528,271, T>C on the plus strand (A>G on the coding strand, the complement: TTN is on the minus strand). VCF-style: chr2-178528271-T-C. GRCh37 (hg19) VCF-style: chr2-179392998-T-C.
Other names: c.80182+3A>G (NM_003319.4); c.80758+3A>G (NM_133437.4); c.80557+3A>G (NM_133432.3); c.99673+3A>G (NM_133378.4); c.102454+3A>G (NM_001256850.1).
Identifiers: ClinVar variation 2121642 (VCV002121642.4), dbSNP rs112991903, ClinGen allele CA2580064896.